The following is an entry in ClinVar:

NM_012469.4(PRPF6):c.1138G>A (p.Ala380Thr)

Gene: PRPF6 (pre-mRNA processing factor 6; plus strand). Cytogenetic location: 20q13.33.
Variant type: single nucleotide variant.
Coding change: c.1138G>A on transcript NM_012469.4 (MANE Select); coding-DNA position 1138, G replaced by A.
Protein change: p.Ala380Thr; replaces alanine 380 with threonine.
Molecular consequence: missense variant.
Genome position (GRCh38, 1-based): chr20:64,001,191, G>A. VCF-style: chr20-64001191-G-A. GRCh37 (hg19) VCF-style: chr20-62632544-G-A.
Other names: c.1138G>A (NM_012469.3); short protein forms A380T.
Identifiers: ClinVar variation 2959497 (VCV002959497.4), dbSNP rs755516926, ClinGen allele CA9972096.

ClinVar aggregate classification (germline): Uncertain significance. Review status: criteria provided, multiple submitters, no conflicts (2 of 4 stars). 2 submissions from 2 submitters: Uncertain significance (2). Last evaluated 2025-03-27.

Allele frequency attached by ClinVar (database versions not stated): ExAC 0.00002; gnomAD 0.00003; TOPMed 0.00003.
gnomAD v4.1: 11 of 1,614,102 alleles (0.00068%); highest among the groups gnomAD compares: Middle Eastern, 0.016%; no homozygotes.

Submissions (2):

Ambry Genetics
Classification: Uncertain significance. Last evaluated: 2025-03-27. Review status: criteria provided, single submitter. Criteria: Ambry Variant Classification Scheme 2023. Collection method: clinical testing. Allele origin: germline.

Labcorp Genetics (formerly Invitae), Labcorp
Classification: Uncertain significance. Last evaluated: 2023-02-14. Review status: criteria provided, single submitter. Criteria: Invitae Variant Classification Sherloc (09022015). Collection method: clinical testing. Allele origin: germline.
Comment: This sequence change replaces alanine, which is neutral and non-polar, with threonine, which is neutral and polar, at codon 380 of the PRPF6 protein (p.Ala380Thr). This variant is present in population databases (rs755516926, gnomAD 0.007%). This variant has not been reported in the literature in individuals affected with PRPF6-related conditions. Advanced modeling of protein sequence and biophysical properties (such as structural, functional, and spatial information, amino acid conservation, physicochemical variation, residue mobility, and thermodynamic stability) performed at Invitae indicates that this missense variant is not expected to disrupt PRPF6 protein function. In summary, the available evidence is currently insufficient to determine the role of this variant in disease. Therefore, it has been classified as a Variant of Uncertain Significance.